The following is an entry in ClinVar:

ClinVar aggregate classification (germline): Uncertain significance (1 of 4 stars; one submission).

Submission:

CeGaT Center for Human Genetics Tuebingen
Classification: Uncertain significance. Last evaluated: 2025-01-01. Review status: criteria provided, single submitter. Criteria: CeGaT Center For Human Genetics Tuebingen Variant Classification Criteria Version 2. Collection method: clinical testing. Allele origin: germline. Affected: yes. Observed: 1 variant allele.
Comment: GNAS: PM4:Supporting

NM_080425.4(GNAS):c.1706_1708del (p.Val569del)

Gene: GNAS (GNAS complex locus; plus strand). Cytogenetic location: 20q13.32.
Variant type: Deletion.
Coding change: c.1706_1708del on transcript NM_080425.4 (MANE Plus Clinical); coding-DNA positions 1706 to 1708, 3 bases deleted (TGG; older notation c.1706_1708delTGG).
Protein change: p.Val569del; deletes valine 569.
Molecular consequence: inframe deletion. On other transcripts: intron variant (3).
Genome position (GRCh38, 1-based): chr20:58,854,971-58,854,973, TGG deleted; deleting any 3 consecutive bases within chr20:58,854,969-58,854,973 gives the same sequence; the c. name uses the placement nearest the transcript's 3' end. VCF-style (leftmost placement, unchanged base first): chr20-58854968-GGGT-G. GRCh37 (hg19) VCF-style: chr20-57430023-GGGT-G.
Other names: c.1519_1521del, p.Trp507del (NM_001077490.3, NM_001309883.1); c.1706_1708del, p.Val569del (NM_001410913.1); c.*42+14085_*42+14087del (NM_016592.5); c.43+14085_43+14087del (NM_001410912.1); c.-39+13096_-39+13098del (NM_001309861.2); short protein forms V569del, W507del.
Identifiers: ClinVar variation 3772210 (VCV003772210.13).